The following is an entry in ClinVar:

ClinVar aggregate classification (germline): Uncertain significance (1 of 4 stars; one submission).

Conditions:
Primary ciliary dyskinesia. Also called: Ciliary dyskinesia. Identifiers: Orphanet 244, MedGen C0008780, MONDO:0016575, HP:0012265.

Allele frequency attached by ClinVar (database versions not stated): gnomAD exomes below 0.00001; gnomAD 0.00001; TOPMed 0.00002.
gnomAD v4.1: 5 of 1,613,946 alleles (0.00031%); highest among the groups gnomAD compares: Admixed American, 0.0033%; no homozygotes.

Submission:

Labcorp Genetics (formerly Invitae), Labcorp
Classification: Uncertain significance for Primary ciliary dyskinesia. Last evaluated: 2021-10-14. Review status: criteria provided, single submitter. Criteria: Invitae Variant Classification Sherloc (09022015). Collection method: clinical testing. Allele origin: germline.
Comment: This sequence change replaces threonine with alanine at codon 535 of the DNAI1 protein (p.Thr535Ala). The threonine residue is moderately conserved and there is a small physicochemical difference between threonine and alanine. This variant is not present in population databases (ExAC no frequency). This variant has not been reported in the literature in individuals affected with DNAI1-related conditions. Algorithms developed to predict the effect of missense changes on protein structure and function (SIFT, PolyPhen-2, Align-GVGD) all suggest that this variant is likely to be tolerated. In summary, the available evidence is currently insufficient to determine the role of this variant in disease. Therefore, it has been classified as a Variant of Uncertain Significance.

NM_012144.4(DNAI1):c.1603A>G (p.Thr535Ala)

Gene: DNAI1 (dynein axonemal intermediate chain 1; plus strand). Cytogenetic location: 9p13.3.
Variant type: single nucleotide variant.
Coding change: c.1603A>G on transcript NM_012144.4 (MANE Select); coding-DNA position 1603, A replaced by G.
Protein change: p.Thr535Ala; replaces threonine 535 with alanine.
Molecular consequence: missense variant.
Genome position (GRCh38, 1-based): chr9:34,514,427, A>G. VCF-style: chr9-34514427-A-G. GRCh37 (hg19) VCF-style: chr9-34514425-A-G.
Other names: c.1615A>G, p.Thr539Ala (NM_001281428.2); short protein forms T535A, T539A.
Identifiers: ClinVar variation 1354253 (VCV001354253.5), dbSNP rs904725096, ClinGen allele CA192651560.
Genomic context (GRCh38, chr9:34,514,427, plus strand): 5'-TCTGACCCCCGTTCCCTCCCCGACCAGTGCTCTAAATCCTACTCCAGCCAATTCCTCGAC[A>G]CCTATGACGCCCACAACATGTCAGTGGACACTGTGTCCTGGAACCCATACCACACCAAGG-3'
Protein context (NP_036276.1, residues 525-545): SKSYSSQFLD[Thr535Ala]YDAHNMSVDT